The following is an entry in ClinVar:

NM_032444.4(SLX4):c.5063C>T (p.Pro1688Leu)

Gene: SLX4 (SLX4 structure-specific endonuclease subunit; minus strand). Cytogenetic location: 16p13.3.
Variant type: single nucleotide variant.
Coding change: c.5063C>T on transcript NM_032444.4 (MANE Select); coding-DNA position 5063, C replaced by T.
Protein change: p.Pro1688Leu; replaces proline 1688 with leucine.
Molecular consequence: missense variant.
Genome position (GRCh38, 1-based): chr16:3,583,187, G>A on the plus strand (C>T on the coding strand, the complement: SLX4 is on the minus strand). VCF-style: chr16-3583187-G-A. GRCh37 (hg19) VCF-style: chr16-3633188-G-A.
Other names: short protein forms P1688L.
Identifiers: ClinVar variation 1422165 (VCV001422165.6), dbSNP rs2151116555, ClinGen allele CA394514640.

ClinVar aggregate classification (germline): Uncertain significance (1 of 4 stars; one submission).

Conditions:
Fanconi anemia (FA). Also called: Fanconi's anemia. Identifiers: Orphanet 84, MedGen C0015625, MeSH D005199, MONDO:0019391.

gnomAD v4.1: 2 of 1,614,222 alleles (0.00012%); highest among the groups gnomAD compares: Non-Finnish European, 0.000085%; no homozygotes.

Submission:

Labcorp Genetics (formerly Invitae), Labcorp
Classification: Uncertain significance for Fanconi anemia. Last evaluated: 2021-09-29. Review status: criteria provided, single submitter. Criteria: Invitae Variant Classification Sherloc (09022015). Collection method: clinical testing. Allele origin: germline.
Comment: In summary, the available evidence is currently insufficient to determine the role of this variant in disease. Therefore, it has been classified as a Variant of Uncertain Significance. Algorithms developed to predict the effect of missense changes on protein structure and function output the following: SIFT: "Tolerated"; PolyPhen-2: "Benign"; Align-GVGD: "Class C0". The leucine amino acid residue is found in multiple mammalian species, which suggests that this missense change does not adversely affect protein function. This variant has not been reported in the literature in individuals affected with SLX4-related conditions. This variant is not present in population databases (ExAC no frequency). This sequence change replaces proline with leucine at codon 1688 of the SLX4 protein (p.Pro1688Leu). The proline residue is moderately conserved and there is a moderate physicochemical difference between proline and leucine.